The following is an entry in ClinVar:

ClinVar aggregate classification (germline): Pathogenic/Likely pathogenic. Review status: criteria provided, multiple submitters, no conflicts (2 of 4 stars). 3 submissions from 3 submitters: Pathogenic (2); Likely pathogenic (1). Last evaluated 2025-09-10.

Conditions:
Primary ciliary dyskinesia. Also called: Ciliary dyskinesia. Identifiers: Orphanet 244, MedGen C0008780, MONDO:0016575, HP:0012265.
Primary ciliary dyskinesia 3. Identifiers: Orphanet 244, MedGen C1837618, MONDO:0012085, OMIM 608644.

Allele frequency attached by ClinVar (database versions not stated): gnomAD exomes below 0.00001 and 0.00001; TOPMed below 0.00001; ExAC 0.00001.

Submissions (3):

Genomic Medicine Center of Excellence, King Faisal Specialist Hospital and Research Centre
Classification: Pathogenic for Primary ciliary dyskinesia 3. Last evaluated: 2025-09-10. Review status: criteria provided, single submitter. Criteria: ACMG Guidelines, 2015. Collection method: clinical testing. Allele origin: germline.

Fulgent Genetics
Classification: Likely pathogenic for Primary ciliary dyskinesia 3. Last evaluated: 2024-03-09. Review status: criteria provided, single submitter. Criteria: ACMG Guidelines, 2015. Collection method: clinical testing. Allele origin: germline.

Labcorp Genetics (formerly Invitae), Labcorp
Classification: Pathogenic for Primary ciliary dyskinesia. Last evaluated: 2022-12-23. Review status: criteria provided, single submitter. Criteria: Invitae Variant Classification Sherloc (09022015). Collection method: clinical testing. Allele origin: germline.
Comment: This variant is present in population databases (rs752110126, gnomAD 0.002%). This sequence change creates a premature translational stop signal (p.Lys322Argfs*4) in the DNAH5 gene. It is expected to result in an absent or disrupted protein product. Loss-of-function variants in DNAH5 are known to be pathogenic (PMID: 11788826, 16627867). This variant has not been reported in the literature in individuals affected with DNAH5-related conditions. For these reasons, this variant has been classified as Pathogenic. ClinVar contains an entry for this variant (Variation ID: 1453797).

Literature cited by the submitters: PubMed 11788826 (cited by Labcorp Genetics (formerly Invitae), Labcorp); PubMed 16627867 (cited by Labcorp Genetics (formerly Invitae), Labcorp).

NM_001369.3(DNAH5):c.958_959dup (p.Lys322fs)

Gene: DNAH5 (dynein axonemal heavy chain 5; minus strand). Cytogenetic location: 5p15.2.
Variant type: Duplication.
Coding change: c.958_959dup on transcript NM_001369.3 (MANE Select); coding-DNA positions 958 to 959, 2 bases duplicated (AA; older notation c.958_959dupAA).
Protein change: p.Lys322fs; shifts the reading frame from lysine 322.
Molecular consequence: frameshift variant.
Genome position (GRCh38, 1-based): chr5:13,919,192-13,919,193, TT duplicated on the plus strand (AA on the coding strand, the reverse complement: DNAH5 is on the minus strand). VCF-style (leftmost placement, unchanged base first): chr5-13919191-C-CTT. GRCh37 (hg19) VCF-style: chr5-13919300-C-CTT.
Other names: short protein forms K322fs.
Identifiers: ClinVar variation 1453797 (VCV001453797.8), dbSNP rs752110126, ClinGen allele CA3205027.